The following is an entry in ClinVar:

NM_001904.4(CTNNB1):c.1112C>T (p.Thr371Ile)

Gene: CTNNB1 (catenin beta 1; plus strand). Cytogenetic location: 3p22.1.
Variant type: single nucleotide variant.
Coding change: c.1112C>T on transcript NM_001904.4 (MANE Select); coding-DNA position 1112, C replaced by T.
Protein change: p.Thr371Ile; replaces threonine 371 with isoleucine.
Molecular consequence: missense variant.
Genome position (GRCh38, 1-based): chr3:41,233,371, C>T. VCF-style: chr3-41233371-C-T. GRCh37 (hg19) VCF-style: chr3-41274862-C-T.
Other names: c.1112C>T, p.Thr371Ile (NM_001098209.2, NM_001098210.2); c.1091C>T, p.Thr364Ile (NM_001330729.2); short protein forms T371I, T364I.
Identifiers: ClinVar variation 1461426 (VCV001461426.8), dbSNP rs2125637649, ClinGen allele CA352232051.

ClinVar aggregate classification (germline): Uncertain significance (1 of 4 stars; one submission).

Submission:

Labcorp Genetics (formerly Invitae), Labcorp
Classification: Uncertain significance. Last evaluated: 2022-01-15. Review status: criteria provided, single submitter. Criteria: Invitae Variant Classification Sherloc (09022015). Collection method: clinical testing. Allele origin: germline.
Comment: This sequence change replaces threonine, which is neutral and polar, with isoleucine, which is neutral and non-polar, at codon 371 of the CTNNB1 protein (p.Thr371Ile). This variant is not present in population databases (gnomAD no frequency). This variant has not been reported in the literature in individuals affected with CTNNB1-related conditions. Algorithms developed to predict the effect of missense changes on protein structure and function (SIFT, PolyPhen-2, Align-GVGD) all suggest that this variant is likely to be tolerated. In summary, the available evidence is currently insufficient to determine the role of this variant in disease. Therefore, it has been classified as a Variant of Uncertain Significance.